The following is an entry in ClinVar:

NM_001244008.2(KIF1A):c.3296A>G (p.Asn1099Ser)

Gene: KIF1A (kinesin family member 1A; minus strand). Cytogenetic location: 2q37.3.
Variant type: single nucleotide variant.
Coding change: c.3296A>G on transcript NM_001244008.2 (MANE Select); coding-DNA position 3296, A replaced by G.
Protein change: p.Asn1099Ser; replaces asparagine 1099 with serine.
Molecular consequence: missense variant.
Genome position (GRCh38, 1-based): chr2:240,745,816, T>C on the plus strand (A>G on the coding strand, the complement: KIF1A is on the minus strand). VCF-style: chr2-240745816-T-C. GRCh37 (hg19) VCF-style: chr2-241685233-T-C.
Other names: c.3020A>G, p.Asn1007Ser (NM_001320705.2, NM_001330289.2, NM_001379638.1); c.3095A>G, p.Asn1032Ser (NM_001330290.2, NM_001379634.1, NM_001379635.1 and 1 more transcripts); c.3371A>G, p.Asn1124Ser (NM_001379631.1); c.3245A>G, p.Asn1082Ser (NM_001379632.1); c.3269A>G, p.Asn1090Ser (NM_001379633.1, NM_001379642.1, NM_001379645.1); c.2993A>G, p.Asn998Ser (NM_001379636.1, NM_001379639.1, NM_001379641.1 and 5 more transcripts); c.3068A>G, p.Asn1023Ser (NM_001379637.1, NM_001379648.1); c.2990A>G, p.Asn997Ser (NM_001379640.1); and 1 more; short protein forms N1099S, N998S, N1007S, N1032S, N1023S, N1082S, N1090S, N1124S.
Identifiers: ClinVar variation 586099 (VCV000586099.9), dbSNP rs1288885072, ClinGen allele CA351318062.

ClinVar aggregate classification (germline): Conflicting classifications of pathogenicity. Review status: criteria provided, conflicting classifications (1 of 4 stars). 3 submissions from 3 submitters: Uncertain significance (2); Likely benign (1). Last evaluated 2024-10-10.

Conditions:
Neuropathy, hereditary sensory, type 2C. Also called: KIF1A-Related HSAN2 (HSAN2C); Hereditary sensory and autonomic neuropathy type IIC. Identifiers: Orphanet 970, MedGen C3280168, MONDO:0013634, OMIM 614213.
Intellectual disability, autosomal dominant 9 (NESCAVS). Also called: NESCAV SYNDROME; KIF1A-Related Neurodevelopmental Disorder. Identifiers: Orphanet 662367, MedGen C5393830, MONDO:0013656, OMIM 614255.
Hereditary spastic paraplegia 30. Identifiers: Orphanet 101010, MedGen C5235139, MONDO:0012476.

Allele frequency attached by ClinVar (database versions not stated): gnomAD 0.00001.
gnomAD v4.1: 6 of 1,612,812 alleles (0.00037%); highest among the groups gnomAD compares: Non-Finnish European, 0.00051%; no homozygotes.

Submissions (3):

Labcorp Genetics (formerly Invitae), Labcorp
Classification: Likely benign for Hereditary spastic paraplegia 30; Neuropathy, hereditary sensory, type 2C; Intellectual disability, autosomal dominant 9. Last evaluated: 2024-10-10. Review status: criteria provided, single submitter. Criteria: Invitae Variant Classification Sherloc (09022015). Collection method: clinical testing. Allele origin: germline.

GeneDx
Classification: Uncertain significance. Last evaluated: 2019-12-13. Review status: criteria provided, single submitter. Criteria: GeneDx Variant Classification Process June 2021. Collection method: clinical testing. Allele origin: germline. Affected: yes.
Comment: In silico analysis, which includes protein predictors and evolutionary conservation, supports that this variant does not alter protein structure/function; Has not been previously published as pathogenic or benign to our knowledge

Athena Diagnostics
Classification: Uncertain significance. Last evaluated: 2018-02-15. Review status: criteria provided, single submitter. Criteria: Athena Diagnostics Criteria. Collection method: clinical testing. Allele origin: germline.